The following is an entry in ClinVar:

ClinVar aggregate classification (germline): Pathogenic/Likely pathogenic. Review status: criteria provided, multiple submitters, no conflicts (2 of 4 stars). 6 submissions from 6 submitters: Pathogenic (3); Likely pathogenic (3). Last evaluated 2025-06-24.

Conditions:
Leber congenital amaurosis 1 (LCA1). Also called: Congenital absence of the rods and cones; Leber's congenital tapetoretinal degeneration; Leber's congenital tapetoretinal dysplasia; RETINAL BLINDNESS, CONGENITAL; AMAUROSIS CONGENITA OF LEBER I. Identifiers: Orphanet 65, MedGen C2931258, MONDO:0008764, OMIM 204000.
Retinitis pigmentosa 14 (RP14). Also called: RETINITIS PIGMENTOSA, JUVENILE, TULP1-RELATED. Identifiers: Orphanet 791, MedGen C1838603, MONDO:0010827, OMIM 600132.
TULP1-related disorder. Also called: TULP1-related disorders; TULP1-related condition.
Leber congenital amaurosis 15 (LCA15). Identifiers: Orphanet 65, MedGen C3151206, MONDO:0013457, OMIM 613843.
Leber congenital amaurosis (LCA). Also called: Leber's amaurosis. Identifiers: Orphanet 65, MedGen C0339527, MeSH D057130, MONDO:0018998.

Allele frequency attached by ClinVar (database versions not stated): gnomAD exomes 0.00001.

Submissions (6):

Women's Health and Genetics/Laboratory Corporation of America, LabCorp
Classification: Pathogenic for Leber congenital amaurosis. Last evaluated: 2025-06-24. Review status: criteria provided, single submitter. Criteria: LabCorp Variant Classification Summary - May 2015. Collection method: clinical testing. Allele origin: germline.
Comment: Variant summary: TULP1 c.931C>T (p.Arg311Trp) results in a non-conservative amino acid change in the encoded protein sequence. Algorithms developed to predict the effect of missense changes on protein structure and function all suggest that this variant is likely to be disruptive. The variant allele was found at a frequency of 8e-06 in 250642 control chromosomes. c.931C>T has been observed in the presumed compound heterozygous or homozygous state in multiple individual(s) affected with clinical features or diagnosis of Leber Congenital Amaurosis or retinitis pigmentosa (example, Tajiguli_2016, Labcorp Geneticus (internal data)). These data indicate that the variant is likely to be associated with disease. A different variant at this codon (c.932G>A, p.Arg311Gln) has been classified as likely pathogenic/pathogenic by our laboratory, supporting the critical relevance of codon 311 for TULP1 protein function (PMID: 28559085, 21792230). To our knowledge, no experimental evidence demonstrating an impact on protein function has been reported. The following publications have been ascertained in the context of this evaluation (PMID: 26856745, 33691693). ClinVar contains an entry for this variant (Variation ID: 802210). Based on the evidence outlined above, the variant was classified as pathogenic.

Labcorp Genetics (formerly Invitae), Labcorp
Classification: Pathogenic. Last evaluated: 2025-02-13. Review status: criteria provided, single submitter. Criteria: Invitae Variant Classification Sherloc (09022015). Collection method: clinical testing. Allele origin: germline.
Comment: This sequence change replaces arginine, which is basic and polar, with tryptophan, which is neutral and slightly polar, at codon 311 of the TULP1 protein (p.Arg311Trp). This variant is present in population databases (no rsID available, gnomAD 0.003%). This missense change has been observed in individuals with retinitis pigmentosa (PMID: 26856745; internal data). It has also been observed to segregate with disease in related individuals. ClinVar contains an entry for this variant (Variation ID: 802210). Invitae Evidence Modeling of protein sequence and biophysical properties (such as structural, functional, and spatial information, amino acid conservation, physicochemical variation, residue mobility, and thermodynamic stability) indicates that this missense variant is expected to disrupt TULP1 protein function with a positive predictive value of 95%. This variant disrupts the p.Arg311 amino acid residue in TULP1. Other variant(s) that disrupt this residue have been observed in individuals with TULP1-related conditions (PMID: 21792230, 28559085; internal data), which suggests that this may be a clinically significant amino acid residue. For these reasons, this variant has been classified as Pathogenic.

Blueprint Genetics
Classification: Pathogenic for TULP1-related disorders. Last evaluated: 2023-09-22. Review status: criteria provided, single submitter. Criteria: ACMG Guidelines, 2015. Collection method: clinical testing. Allele origin: germline. Affected: yes. Observed: 2 variant alleles.

3billion
Classification: Likely pathogenic for Retinitis pigmentosa 14. Last evaluated: 2022-01-03. Review status: criteria provided, single submitter. Criteria: ACMG Guidelines, 2015. Collection method: clinical testing. Allele origin: germline. Affected: yes. Observed: 1 homozygote.
Comment: Same nucleotide change resulting in same amino acid change has been previously reported to be associated with TULP1 related disorder (PMID:26856745, PS1_P). A different missense change at the same codon has been reported as pathogenic/likely pathogenic with strong evidence (ClinVar ID: VCV001065758, PMID:21792230, PM5_M). In silico tool predictions suggest damaging effect of the variant on gene or gene product (REVEL: 0.885, 3CNET: 0.924, PP3_P). It is observed at an extremely low frequency in the gnomAD v2.1.1 dataset (total allele frequency: 0.000008, PM2_M). Therefore, this variant is classified as likely pathogenic according to the recommendation of ACMG/AMP guideline.

Mendelics
Classification: Likely pathogenic for Leber congenital amaurosis 1. Last evaluated: 2019-05-28. Review status: criteria provided, single submitter. Criteria: Mendelics Assertion Criteria 2017. Collection method: clinical testing. Allele origin: unknown.

Juno Genomics, Hangzhou Juno Genomics, Inc
Classification: Likely pathogenic for Leber congenital amaurosis 15; Retinitis pigmentosa 14. Review status: criteria provided, single submitter. Criteria: ACMG Guidelines, 2015. Collection method: clinical testing. Allele origin: germline. Affected: yes.
Comment: Absent from controls (or at extremely low frequency if recessive) in Genome Aggregation Database, Exome Sequencing Project, 1000 Genomes Project, or Exome Aggregation Consortium.;Novel missense change at an amino acid residue where a different missense change determined to be pathogenic has been seen before.;Multiple lines of computational evidence support a deleterious effect on the gene or gene product (conservation, evolutionary, splicing impact, etc).;For recessive disorders, detected in trans with a pathogenic variant.;Patient's phenotype or family history is highly specific for a disease with a single genetic etiology.;Co-segregation with disease in multiple affected family members in a gene definitively known to cause the disease.

Literature cited by the submitters: PubMed 26856745 (cited by 3 submitters); PubMed 33691693 (cited by Women's Health and Genetics/Laboratory Corporation of America, LabCorp); PubMed 21792230 (cited by Labcorp Genetics (formerly Invitae), Labcorp and 3billion); PubMed 28559085 (cited by Labcorp Genetics (formerly Invitae), Labcorp).

NM_003322.6(TULP1):c.931C>T (p.Arg311Trp)

Gene: TULP1 (TUB like protein 1; minus strand). Cytogenetic location: 6p21.31.
Variant type: single nucleotide variant.
Coding change: c.931C>T on transcript NM_003322.6 (MANE Select); coding-DNA position 931, C replaced by T.
Protein change: p.Arg311Trp; replaces arginine 311 with tryptophan.
Molecular consequence: missense variant.
Genome position (GRCh38, 1-based): chr6:35,506,071, G>A on the plus strand (C>T on the coding strand, the complement: TULP1 is on the minus strand). VCF-style: chr6-35506071-G-A. GRCh37 (hg19) VCF-style: chr6-35473848-G-A.
Other names: c.931C>T (NM_003322.5); c.772C>T, p.Arg258Trp (NM_001289395.2); short protein forms R311W, R258W.
Identifiers: ClinVar variation 802210 (VCV000802210.17), dbSNP rs373519519, ClinGen allele CA363780231.